The following is an entry in ClinVar:

NM_004187.5(KDM5C):c.3561C>G (p.Ile1187Met)

Gene: KDM5C (lysine demethylase 5C; minus strand). Cytogenetic location: Xp11.22.
Variant type: single nucleotide variant.
Coding change: c.3561C>G on transcript NM_004187.5 (MANE Select); coding-DNA position 3561, C replaced by G.
Protein change: p.Ile1187Met; replaces isoleucine 1187 with methionine.
Molecular consequence: missense variant. On other transcripts: non-coding transcript variant (3).
Genome position (GRCh38, 1-based): chrX:53,194,616, G>C on the plus strand (C>G on the coding strand, the complement: KDM5C is on the minus strand). VCF-style: chrX-53194616-G-C. GRCh37 (hg19) VCF-style: chrX-53223798-G-C.
Other names: c.3360C>G, p.Ile1120Met (NM_001146702.2); c.3558C>G, p.Ile1186Met (NM_001282622.3, NM_001353979.2, NM_001353982.2); c.3561C>G, p.Ile1187Met (NM_001353978.3, NM_001353981.2, NM_001353984.2); short protein forms I1120M, I1186M, I1187M.
Identifiers: ClinVar variation 3371363 (VCV003371363.2).

ClinVar aggregate classification (germline): Uncertain significance (1 of 4 stars; one submission).

gnomAD v4.1: 1 of 1,212,090 alleles (0.000083%); highest among the groups gnomAD compares: Admixed American, 0.0022%; no homozygotes.

Submission:

GeneDx
Classification: Uncertain significance. Last evaluated: 2025-07-19. Review status: criteria provided, single submitter. Criteria: GeneDx Variant Classification Process June 2021. Collection method: clinical testing. Allele origin: germline. Affected: yes.
Comment: Has not been previously published as pathogenic or benign to our knowledge; Not observed at significant frequency in large population cohorts (gnomAD); In silico analysis suggests that this missense variant does not alter protein structure/function; In silico analysis suggests this variant may impact gene splicing. In the absence of RNA/functional studies, the actual effect of this sequence change is unknown.